The following is an entry in ClinVar:

ClinVar aggregate classification (germline): Benign/Likely benign. Review status: criteria provided, multiple submitters, no conflicts (2 of 4 stars). 3 submissions from 3 submitters: Benign (1); Likely benign (2). Last evaluated 2026-08-19.

Conditions:
DICER1-related tumor predisposition. Also called: DICER1 syndrome; DICER1-related pleuropulmonary blastoma cancer predisposition syndrome. Identifiers: Orphanet 284343, MedGen C3839822, MONDO:0100216.
Hereditary cancer-predisposing syndrome. Also called: Tumor predisposition; Hereditary neoplastic syndrome; Neoplastic Syndromes, Hereditary; Hereditary Cancer Syndrome. Identifiers: Orphanet 140162, MedGen C0027672, MeSH D009386, MONDO:0015356.

Submissions (3):

Myriad Genetics, Inc.
Classification: Benign for DICER1-related tumor predisposition. Last evaluated: 2026-08-19. Review status: criteria provided, single submitter. Criteria: Myriad Autosomal Dominant, Autosomal Recessive and X-Linked Classification Criteria (2023). Collection method: clinical testing. Allele origin: unknown.
Comment: This variant is considered benign. This variant is a silent/synonymous amino acid change and it is not expected to impact splicing.

Labcorp Genetics (formerly Invitae), Labcorp
Classification: Likely benign for DICER1-related tumor predisposition. Last evaluated: 2023-10-13. Review status: criteria provided, single submitter. Criteria: Invitae Variant Classification Sherloc (09022015). Collection method: clinical testing. Allele origin: germline.

Ambry Genetics
Classification: Likely benign for Hereditary cancer-predisposing syndrome. Last evaluated: 2021-03-15. Review status: criteria provided, single submitter. Criteria: Ambry Variant Classification Scheme 2023. Collection method: clinical testing. Allele origin: germline.

NM_177438.3(DICER1):c.1395C>T (p.Gly465=)

Gene: DICER1 (dicer 1, ribonuclease III; minus strand). Cytogenetic location: 14q32.13.
Variant type: single nucleotide variant.
Coding change: c.1395C>T on transcript NM_177438.3 (MANE Select); coding-DNA position 1395, C replaced by T.
Protein change: p.Gly465=; no amino-acid change (glycine 465 retained).
Molecular consequence: synonymous variant.
Genome position (GRCh38, 1-based): chr14:95,117,736, G>A on the plus strand (C>T on the coding strand, the complement: DICER1 is on the minus strand). VCF-style: chr14-95117736-G-A. GRCh37 (hg19) VCF-style: chr14-95584073-G-A.
Other names: c.1395C>T, p.Gly465= (NM_001195573.1, NM_001271282.3, NM_001291628.2 and 1 more transcripts).
Identifiers: ClinVar variation 941199 (VCV000941199.14), dbSNP rs1892607970, ClinGen allele CA487631901.
Genomic context (GRCh38, chr14:95,117,736, plus strand): 5'-CCCAATGCCATGTCCAGTTATGAAATTGCTACTGATATAAGCCAGCTCTGGATCTTGTTT[G>A]CCAGCTTCCTTTATCAATCTAAGAAAATTATACACATTTGGAAGTTAAACGTTGCTGAAA-3'
Protein context (NP_803187.1, residues 455-475): VVLNRLIKEA[Gly465=]KQDPELAYIS